The following is an entry in ClinVar:

ClinVar aggregate classification (germline): Uncertain significance. Review status: criteria provided, multiple submitters, no conflicts (2 of 4 stars). 4 submissions from 4 submitters: Uncertain significance (4). Last evaluated 2025-06-18.

Conditions:
Cardiovascular phenotype. Identifiers: MedGen CN230736.
Dilated cardiomyopathy 1KK (CMD1KK). Identifiers: Orphanet 154, Orphanet 75249, MedGen C3714995, MONDO:0014100, OMIM 615248.
Hypertrophic cardiomyopathy. Also called: HYPERTROPHIC MYOCARDIOPATHY. Identifiers: Orphanet 217569, MedGen C0007194, MeSH D002312, MONDO:0005045, HP:0001639.

Allele frequency attached by ClinVar (database versions not stated): ExAC 0.00002; gnomAD exomes 0.00002; TOPMed 0.00002.
gnomAD v4.1: 35 of 1,613,372 alleles (0.0022%); highest among the groups gnomAD compares: South Asian, 0.0077%; no homozygotes.

Submissions (4):

Ambry Genetics
Classification: Uncertain significance for Cardiovascular phenotype. Last evaluated: 2025-06-18. Review status: criteria provided, single submitter. Criteria: Ambry Variant Classification Scheme 2023. Collection method: clinical testing. Allele origin: germline.

Labcorp Genetics (formerly Invitae), Labcorp
Classification: Uncertain significance for Dilated cardiomyopathy 1KK. Last evaluated: 2022-11-22. Review status: criteria provided, single submitter. Criteria: Invitae Variant Classification Sherloc (09022015). Collection method: clinical testing. Allele origin: germline.
Comment: ClinVar contains an entry for this variant (Variation ID: 201883). This variant has not been reported in the literature in individuals affected with MYPN-related conditions. This variant is present in population databases (rs764775347, gnomAD 0.009%), including at least one homozygous and/or hemizygous individual. This sequence change replaces aspartic acid, which is acidic and polar, with asparagine, which is neutral and polar, at codon 369 of the MYPN protein (p.Asp369Asn). In summary, the available evidence is currently insufficient to determine the role of this variant in disease. Therefore, it has been classified as a Variant of Uncertain Significance. Algorithms developed to predict the effect of missense changes on protein structure and function are either unavailable or do not agree on the potential impact of this missense change (SIFT: "Tolerated"; PolyPhen-2: "Possibly Damaging"; Align-GVGD: "Class C0").

Center of Genomic medicine, Geneva, University Hospital of Geneva
Classification: Uncertain significance for Hypertrophic cardiomyopathy. Last evaluated: 2019-02-20. Review status: criteria provided, single submitter. Criteria: ACMG Guidelines, 2015. Collection method: clinical testing. Allele origin: maternal. Affected: yes. Observed: 2 variant alleles.

GeneDx
Classification: Uncertain significance. Last evaluated: 2017-02-02. Review status: criteria provided, single submitter. Criteria: GeneDx Variant Classification (06012015). Collection method: clinical testing. Allele origin: germline. Affected: yes.
Comment: This variant is denoted p.Asp369Asn (GAC>AAC): c.1105 G>A in exon 4 in the MYPN gene (NM_032578.3). The D369N variant in the MYPN gene has not been published as a mutation, nor has it been reported as a benign polymorphism to our knowledge. The D369N variant was not observed in approximately 6,500 individuals of European and African American ancestry in the NHLBI Exome Sequencing Project, indicating it is not a common benign variant in these populations. The D369N variant is a semi-conservative amino acid substitution, which occurs at a position that is conserved across species. In silico analysis is inconsistent in its predictions as to whether or not the variant is damaging to the protein structure/function. We interpret D369N as a variant of unknown significance. The variant is found in CARDIOMYOPATHY panel(s).

NM_032578.4(MYPN):c.1105G>A (p.Asp369Asn)

Gene: MYPN (myopalladin; plus strand). Cytogenetic location: 10q21.3.
Variant type: single nucleotide variant.
Coding change: c.1105G>A on transcript NM_032578.4 (MANE Select); coding-DNA position 1105, G replaced by A.
Protein change: p.Asp369Asn; replaces aspartic acid 369 with asparagine.
Molecular consequence: missense variant. On other transcripts: non-coding transcript variant (2).
Genome position (GRCh38, 1-based): chr10:68,145,501, G>A. VCF-style: chr10-68145501-G-A. GRCh37 (hg19) VCF-style: chr10-69905258-G-A.
Other names: p.D369N:GAC>AAC; c.1105G>A (NM_032578.2); c.1105G>A, p.Asp369Asn (NM_001256267.2); c.223G>A, p.Asp75Asn (NM_001256268.2); short protein forms D369N, D75N.
Identifiers: ClinVar variation 201883 (VCV000201883.12), dbSNP rs764775347, ClinGen allele CA335298.